The following is an entry in ClinVar:

NM_000065.5(C6):c.1142T>A (p.Phe381Tyr)

Gene: C6 (complement C6; minus strand). Cytogenetic location: 5p13.1.
Variant type: single nucleotide variant.
Coding change: c.1142T>A on transcript NM_000065.5 (MANE Select); coding-DNA position 1142, T replaced by A.
Protein change: p.Phe381Tyr; replaces phenylalanine 381 with tyrosine.
Molecular consequence: missense variant.
Genome position (GRCh38, 1-based): chr5:41,176,501, A>T on the plus strand (T>A on the coding strand, the complement: C6 is on the minus strand). VCF-style: chr5-41176501-A-T. GRCh37 (hg19) VCF-style: chr5-41176603-A-T.
Other names: c.1142T>A, p.Phe381Tyr (NM_001115131.4); short protein forms F381Y.
Identifiers: ClinVar variation 2826318 (VCV002826318.3), dbSNP rs2478740201, ClinGen allele CA359600456.

ClinVar aggregate classification (germline): Uncertain significance (1 of 4 stars; one submission).

Submission:

Labcorp Genetics (formerly Invitae), Labcorp
Classification: Uncertain significance. Last evaluated: 2023-01-05. Review status: criteria provided, single submitter. Criteria: Invitae Variant Classification Sherloc (09022015). Collection method: clinical testing. Allele origin: germline.
Comment: This variant is not present in population databases (gnomAD no frequency). This sequence change replaces phenylalanine, which is neutral and non-polar, with tyrosine, which is neutral and polar, at codon 381 of the C6 protein (p.Phe381Tyr). This variant has not been reported in the literature in individuals affected with C6-related conditions. In summary, the available evidence is currently insufficient to determine the role of this variant in disease. Therefore, it has been classified as a Variant of Uncertain Significance. Algorithms developed to predict the effect of missense changes on protein structure and function output the following: SIFT: "Tolerated"; PolyPhen-2: "Benign"; Align-GVGD: "Class C0". The tyrosine amino acid residue is found in multiple mammalian species, which suggests that this missense change does not adversely affect protein function.